The following is an entry in ClinVar:

ClinVar aggregate classification (germline): Uncertain significance (1 of 4 stars; one submission).

Conditions:
Hereditary cancer-predisposing syndrome. Also called: Neoplastic Syndromes, Hereditary; Tumor predisposition; Hereditary Cancer Syndrome; Hereditary neoplastic syndrome. Identifiers: Orphanet 140162, MedGen C0027672, MeSH D009386, MONDO:0015356.

Submission:

Ambry Genetics
Classification: Uncertain significance for Hereditary cancer-predisposing syndrome. Last evaluated: 2025-11-06. Review status: criteria provided, single submitter. Criteria: Ambry Variant Classification Scheme 2023. Collection method: clinical testing. Allele origin: germline.
Comment: The p.D954N variant (also known as c.2860G>A), located in coding exon 24 of the EGFR gene, results from a G to A substitution at nucleotide position 2860. The aspartic acid at codon 954 is replaced by asparagine, an amino acid with highly similar properties. This amino acid position is highly conserved in available vertebrate species. In addition, this alteration is predicted to be tolerated by in silico analysis. Based on the available evidence, the clinical significance of this variant remains unclear.

NM_005228.5(EGFR):c.2860G>A (p.Asp954Asn)

Gene: EGFR (epidermal growth factor receptor; plus strand). Cytogenetic location: 7p11.2.
Variant type: single nucleotide variant.
Coding change: c.2860G>A on transcript NM_005228.5 (MANE Select); coding-DNA position 2860, G replaced by A.
Protein change: p.Asp954Asn; replaces aspartic acid 954 with asparagine.
Molecular consequence: missense variant.
Genome position (GRCh38, 1-based): chr7:55,200,327, G>A. VCF-style: chr7-55200327-G-A. GRCh37 (hg19) VCF-style: chr7-55268020-G-A.
Other names: c.2725G>A, p.Asp909Asn (NM_001346897.2, NM_001346899.2); c.2860G>A, p.Asp954Asn (NM_001346898.2); c.2701G>A, p.Asp901Asn (NM_001346900.2); c.2059G>A, p.Asp687Asn (NM_001346941.2); short protein forms D901N, D687N, D909N, D954N.
Identifiers: ClinVar variation 4639112 (VCV004639112.1).
Genomic context (GRCh38, chr7:55,200,327, plus strand): 5'-ATTTCTTCCAGTGTTCTAATTGCACTGTTTTTTCTCATTCCTTCCCCAGGCTGGATGATA[G>A]ACGCAGATAGTCGCCCAAAGTTCCGTGAGTTGATCATCGAATTCTCCAAAATGGCCCGAG-3'
Protein context (NP_005219.2, residues 944-964): YMIMVKCWMI[Asp954Asn]ADSRPKFREL